The following is an entry in ClinVar:

NM_000368.5(TSC1):c.2629G>C (p.Val877Leu)

Gene: TSC1 (TSC complex subunit 1; minus strand). Cytogenetic location: 9q34.13.
Variant type: single nucleotide variant.
Coding change: c.2629G>C on transcript NM_000368.5 (MANE Select); coding-DNA position 2629, G replaced by C.
Protein change: p.Val877Leu; replaces valine 877 with leucine.
Molecular consequence: missense variant. On other transcripts: non-coding transcript variant (5).
Genome position (GRCh38, 1-based): chr9:132,897,607, C>G on the plus strand (G>C on the coding strand, the complement: TSC1 is on the minus strand). VCF-style: chr9-132897607-C-G. GRCh37 (hg19) VCF-style: chr9-135772994-C-G.
Other names: c.2629G>C, p.Val877Leu (NM_001406596.1, NM_001406592.1, NM_001406593.1 and 2 more transcripts); c.2626G>C, p.Val876Leu (NM_001406597.1, NM_001406598.1, NM_001406599.1 and 2 more transcripts); c.2614G>C, p.Val872Leu (NM_001406601.1, NM_001406602.1); c.2611G>C, p.Val871Leu (NM_001406603.1, NM_001406604.1); c.2587G>C, p.Val863Leu (NM_001406605.1, NM_001406606.1, NM_001406607.1); c.2476G>C, p.Val826Leu (NM_001162427.2, NM_001406610.1); c.2266G>C, p.Val756Leu (NM_001362177.2, NM_001406614.1, NM_001406615.1 and 4 more transcripts); c.2584G>C, p.Val862Leu (NM_001406608.1, NM_001406609.1); and 8 more; short protein forms V526L, V742L, V756L, V872L, V876L, V877L, V560L, V863L.
Identifiers: ClinVar variation 2703858 (VCV002703858.3), dbSNP rs1321117036, ClinGen allele CA375369717.

ClinVar aggregate classification (germline): Uncertain significance (1 of 4 stars; one submission).

Conditions:
Tuberous sclerosis 1 (TSC1). Identifiers: Orphanet 805, MedGen C1854465, MONDO:0008612, OMIM 191100.

Submission:

Labcorp Genetics (formerly Invitae), Labcorp
Classification: Uncertain significance for Tuberous sclerosis 1. Last evaluated: 2025-09-25. Review status: criteria provided, single submitter. Criteria: Invitae Variant Classification Sherloc (09022015). Collection method: clinical testing. Allele origin: germline.
Comment: This sequence change replaces valine, which is neutral and non-polar, with leucine, which is neutral and non-polar, at codon 877 of the TSC1 protein (p.Val877Leu). This variant is not present in population databases (gnomAD no frequency). This variant has not been reported in the literature in individuals affected with TSC1-related conditions. ClinVar contains an entry for this variant (Variation ID: 2703858). Invitae Evidence Modeling of protein sequence and biophysical properties (such as structural, functional, and spatial information, amino acid conservation, physicochemical variation, residue mobility, and thermodynamic stability) indicates that this missense variant is not expected to disrupt TSC1 protein function with a negative predictive value of 95%. In summary, the available evidence is currently insufficient to determine the role of this variant in disease. Therefore, it has been classified as a Variant of Uncertain Significance.